The following is an entry in ClinVar:

NM_003476.5(CSRP3):c.373A>T (p.Lys125Ter)

Gene: CSRP3 (cysteine and glycine rich protein 3; minus strand). Cytogenetic location: 11p15.1.
Variant type: single nucleotide variant.
Coding change: c.373A>T on transcript NM_003476.5 (MANE Select); coding-DNA position 373, A replaced by T.
Protein change: p.Lys125Ter; replaces lysine 125 with a stop codon.
Molecular consequence: nonsense. On other transcripts: synonymous variant (1).
Genome position (GRCh38, 1-based): chr11:19,186,257, T>A on the plus strand (A>T on the coding strand, the complement: CSRP3 is on the minus strand). VCF-style: chr11-19186257-T-A. GRCh37 (hg19) VCF-style: chr11-19207804-T-A.
Other names: c.204A>T, p.Ala68= (NM_001369404.1); short protein forms K125*.
Identifiers: ClinVar variation 543042 (VCV000543042.8), dbSNP rs1554967541, ClinGen allele CA379887911.

ClinVar aggregate classification (germline): Conflicting classifications of pathogenicity. Review status: criteria provided, conflicting classifications (1 of 4 stars). 2 submissions from 2 submitters: Pathogenic (1); Uncertain significance (1). Last evaluated 2023-07-21.

Conditions:
Hypertrophic cardiomyopathy 12. Identifiers: MedGen C2677491, MONDO:0012804, OMIM 612124.
Dilated cardiomyopathy 1M (CMD1M). Identifiers: Orphanet 154, MedGen C1843808, MONDO:0011840, OMIM 607482.

Submissions (2):

Labcorp Genetics (formerly Invitae), Labcorp
Classification: Pathogenic for Hypertrophic cardiomyopathy 12; Dilated cardiomyopathy 1M. Last evaluated: 2023-07-21. Review status: criteria provided, single submitter. Criteria: Invitae Variant Classification Sherloc (09022015). Collection method: clinical testing. Allele origin: germline.
Comment: This sequence change creates a premature translational stop signal (p.Lys125*) in the CSRP3 gene. It is expected to result in an absent or disrupted protein product. Loss-of-function variants in CSRP3 are known to be pathogenic (PMID: 12642359, 14567970, 16352453, 20087448, 34558151). This variant is not present in population databases (gnomAD no frequency). This variant has not been reported in the literature in individuals affected with CSRP3-related conditions. ClinVar contains an entry for this variant (Variation ID: 543042). For these reasons, this variant has been classified as Pathogenic.

Stanford Center for Inherited Cardiovascular Disease, Stanford University
Classification: Uncertain significance. Last evaluated: 2017-10-18. Review status: criteria provided, single submitter. Criteria: ACMG Guidelines, 2015. Collection method: provider interpretation. Allele origin: germline.

Literature cited by the submitters: PubMed 12642359 (cited by Labcorp Genetics (formerly Invitae), Labcorp); PubMed 14567970 (cited by Labcorp Genetics (formerly Invitae), Labcorp); PubMed 16352453 (cited by Labcorp Genetics (formerly Invitae), Labcorp); PubMed 20087448 (cited by Labcorp Genetics (formerly Invitae), Labcorp); PubMed 34558151 (cited by Labcorp Genetics (formerly Invitae), Labcorp).